The following is an entry in ClinVar:

ClinVar aggregate classification (germline): Uncertain significance (1 of 4 stars; one submission).

Conditions:
Gorlin syndrome. Also called: Nevoid Basal Cell Carcinoma Syndrome; Basal cell nevus syndrome. Identifiers: Orphanet 377, MedGen C0004779, MONDO:0007187.

Allele frequency attached by ClinVar (database versions not stated): gnomAD exomes below 0.00001.
gnomAD v4.1: 1 of 1,614,186 alleles (0.000062%); highest among the groups gnomAD compares: South Asian, 0.0011%; no homozygotes.

Submission:

Labcorp Genetics (formerly Invitae), Labcorp
Classification: Uncertain significance for Gorlin syndrome. Last evaluated: 2019-07-10. Review status: criteria provided, single submitter. Criteria: Invitae Variant Classification Sherloc (09022015). Collection method: clinical testing. Allele origin: germline.
Comment: In summary, the available evidence is currently insufficient to determine the role of this variant in disease. Therefore, it has been classified as a Variant of Uncertain Significance. Algorithms developed to predict the effect of missense changes on protein structure and function are either unavailable or do not agree on the potential impact of this missense change (SIFT: "Tolerated"; PolyPhen-2: "Possibly Damaging"; Align-GVGD: "Class C0"). This variant has not been reported in the literature in individuals with PTCH1-related conditions. This variant is not present in population databases (ExAC no frequency). This sequence change replaces phenylalanine with serine at codon 434 of the PTCH1 protein (p.Phe434Ser). The phenylalanine residue is moderately conserved and there is a large physicochemical difference between phenylalanine and serine.

NM_000264.5(PTCH1):c.1301T>C (p.Phe434Ser)

Gene: PTCH1 (patched 1; minus strand). Cytogenetic location: 9q22.32.
Variant type: single nucleotide variant.
Coding change: c.1301T>C on transcript NM_000264.5 (MANE Select); coding-DNA position 1301, T replaced by C.
Protein change: p.Phe434Ser; replaces phenylalanine 434 with serine.
Molecular consequence: missense variant. On other transcripts: non-coding transcript variant (1).
Genome position (GRCh38, 1-based): chr9:95,478,101, A>G on the plus strand (T>C on the coding strand, the complement: PTCH1 is on the minus strand). VCF-style: chr9-95478101-A-G. GRCh37 (hg19) VCF-style: chr9-98240383-A-G.
Other names: c.1103T>C, p.Phe368Ser (NM_001083602.3); c.1298T>C, p.Phe433Ser (NM_001083603.3); c.848T>C, p.Phe283Ser (NM_001083604.3, NM_001083605.3, NM_001083606.3 and 1 more transcripts); c.1301T>C, p.Phe434Ser (NM_001354918.2); short protein forms F433S, F434S, F283S, F368S.
Identifiers: ClinVar variation 946127 (VCV000946127.10), dbSNP rs1841222850, ClinGen allele CA374118793.